The following is an entry in ClinVar:

NM_001261826.3(AP3D1):c.2581A>G (p.Lys861Glu)

Gene: AP3D1 (adaptor related protein complex 3 subunit delta 1; minus strand). Cytogenetic location: 19p13.3.
Variant type: single nucleotide variant.
Coding change: c.2581A>G on transcript NM_001261826.3 (MANE Select); coding-DNA position 2581, A replaced by G.
Protein change: p.Lys861Glu; replaces lysine 861 with glutamic acid.
Molecular consequence: missense variant.
Genome position (GRCh38, 1-based): chr19:2,114,145, T>C on the plus strand (A>G on the coding strand, the complement: AP3D1 is on the minus strand). VCF-style: chr19-2114145-T-C. GRCh37 (hg19) VCF-style: chr19-2114144-T-C.
Other names: c.2581A>G, p.Lys861Glu (NM_001374799.1, NM_003938.8); short protein forms K861E.
Identifiers: ClinVar variation 1035688 (VCV001035688.8), dbSNP rs777682944, ClinGen allele CA9058808.

ClinVar aggregate classification (germline): Uncertain significance (1 of 4 stars; one submission).

Allele frequency attached by ClinVar (database versions not stated): gnomAD exomes 0.00002 and 0.00004; ExAC 0.00004; TOPMed 0.00006; gnomAD 0.00007 and 0.00008.
gnomAD v4.1: 41 of 1,561,600 alleles (0.0026%); highest among the groups gnomAD compares: African/African-American, 0.018%; no homozygotes.

Submission:

Labcorp Genetics (formerly Invitae), Labcorp
Classification: Uncertain significance. Last evaluated: 2025-08-11. Review status: criteria provided, single submitter. Criteria: Invitae Variant Classification Sherloc (09022015). Collection method: clinical testing. Allele origin: germline.
Comment: This sequence change replaces lysine, which is basic and polar, with glutamic acid, which is acidic and polar, at codon 861 of the AP3D1 protein (p.Lys861Glu). The frequency data for this variant in the population databases is considered unreliable, as metrics indicate poor data quality at this position in the gnomAD database. This variant has not been reported in the literature in individuals affected with AP3D1-related conditions. ClinVar contains an entry for this variant (Variation ID: 1035688). An algorithm developed to predict the effect of missense changes on protein structure and function outputs the following: PolyPhen-2: "Benign". The glutamic acid amino acid residue is found in multiple mammalian species, which suggests that this missense change does not adversely affect protein function. In summary, the available evidence is currently insufficient to determine the role of this variant in disease. Therefore, it has been classified as a Variant of Uncertain Significance.